The following is an entry in ClinVar:

ClinVar aggregate classification (germline): Likely benign. Review status: criteria provided, multiple submitters, no conflicts (2 of 4 stars). 2 submissions from 2 submitters: Likely benign (2). Last evaluated 2024-08-29.

Allele frequency attached by ClinVar (database versions not stated): ExAC 0.00001; gnomAD 0.00003; TOPMed 0.00003; gnomAD exomes 0.00008.
gnomAD v4.1: 122 of 1,611,844 alleles (0.0076%); highest among the groups gnomAD compares: Non-Finnish European, 0.0092%; no homozygotes.

Submissions (2):

Labcorp Genetics (formerly Invitae), Labcorp
Classification: Likely benign. Last evaluated: 2024-08-29. Review status: criteria provided, single submitter. Criteria: Invitae Variant Classification Sherloc (09022015). Collection method: clinical testing. Allele origin: germline.

CeGaT Center for Human Genetics Tuebingen
Classification: Likely benign. Last evaluated: 2023-07-01. Review status: criteria provided, single submitter. Criteria: CeGaT Center For Human Genetics Tuebingen Variant Classification Criteria Version 2. Collection method: clinical testing. Allele origin: germline. Affected: yes. Observed: 1 variant allele.
Comment: SLC12A2: BP4, BP7

NM_001046.3(SLC12A2):c.459A>G (p.Glu153=)

Gene: SLC12A2 (solute carrier family 12 member 2; plus strand). Cytogenetic location: 5q23.3.
Variant type: single nucleotide variant.
Coding change: c.459A>G on transcript NM_001046.3 (MANE Select); coding-DNA position 459, A replaced by G.
Protein change: p.Glu153=; no amino-acid change (glutamic acid 153 retained).
Molecular consequence: synonymous variant. On other transcripts: non-coding transcript variant (1).
Genome position (GRCh38, 1-based): chr5:128,084,413, A>G. VCF-style: chr5-128084413-A-G. GRCh37 (hg19) VCF-style: chr5-127420105-A-G.
Other names: c.459A>G, p.Glu153= (NM_001256461.2).
Identifiers: ClinVar variation 1981147 (VCV001981147.29), dbSNP rs748049723, ClinGen allele CA3392811.
Genomic context (GRCh38, chr5:128,084,413, plus strand): 5'-GGAAGCCAAGGGCCGCTTCCGCGTGAACTTCGTGGACCCAGCTGCCTCCTCGTCGGCTGA[A>G]GACAGCCTGTCAGATGCTGCCGGGGTCGGAGTCGACGGGCCCAACGTGAGCTTCCAGAAC-3'
Protein context (NP_001037.1, residues 143-163): FVDPAASSSA[Glu153=]DSLSDAAGVG